The following is an entry in ClinVar:

NM_001378454.1(ALMS1):c.3809A>G (p.Glu1270Gly)

Gene: ALMS1 (ALMS1 centrosome and basal body associated protein; plus strand). Cytogenetic location: 2p13.1.
Variant type: single nucleotide variant.
Coding change: c.3809A>G on transcript NM_001378454.1 (MANE Select); coding-DNA position 3809, A replaced by G.
Protein change: p.Glu1270Gly; replaces glutamic acid 1270 with glycine.
Molecular consequence: missense variant.
Genome position (GRCh38, 1-based): chr2:73,450,336, A>G. VCF-style: chr2-73450336-A-G. GRCh37 (hg19) VCF-style: chr2-73677463-A-G.
Other names: c.3812A>G, p.Glu1271Gly (NM_015120.4); short protein forms E1271G, E1270G.
Identifiers: ClinVar variation 1938206 (VCV001938206.2), dbSNP rs775883785, ClinGen allele CA1713594.
Genomic context (GRCh38, chr2:73,450,336, plus strand): 5'-AACAGGTCTTGCCAGATAATCATCCAACTGAAGAGGCTCTGAAAATTTCAGTTGCCTCTG[A>G]ACCAGTTGACCAGACAACTGGCACACCAGCTGTAACCTCTACTTCCTACTCACAATATAG-3'
Protein context (NP_001365383.1, residues 1260-1280): EEALKISVAS[Glu1270Gly]PVDQTTGTPA

ClinVar aggregate classification (germline): Uncertain significance (1 of 4 stars; one submission).

Conditions:
Alstrom syndrome (ALMS). Identifiers: Orphanet 64, MedGen C0268425, MONDO:0008763, OMIM 203800.

Allele frequency attached by ClinVar (database versions not stated): ExAC 0.00002.
gnomAD v4.1: 5 of 1,612,466 alleles (0.00031%); highest among the groups gnomAD compares: South Asian, 0.0055%; no homozygotes.

Submission:

Labcorp Genetics (formerly Invitae), Labcorp
Classification: Uncertain significance for Alstrom syndrome. Last evaluated: 2022-08-31. Review status: criteria provided, single submitter. Criteria: Invitae Variant Classification Sherloc (09022015). Collection method: clinical testing. Allele origin: germline.
Comment: This sequence change replaces glutamic acid, which is acidic and polar, with glycine, which is neutral and non-polar, at codon 1271 of the ALMS1 protein (p.Glu1271Gly). This variant is present in population databases (rs775883785, gnomAD 0.01%). This variant has not been reported in the literature in individuals affected with ALMS1-related conditions. Experimental studies and prediction algorithms are not available or were not evaluated, and the functional significance of this variant is currently unknown. In summary, the available evidence is currently insufficient to determine the role of this variant in disease. Therefore, it has been classified as a Variant of Uncertain Significance.